The following is an entry in ClinVar:

ClinVar aggregate classification (germline): Uncertain significance (1 of 4 stars; one submission).

Allele frequency attached by ClinVar (database versions not stated): TOPMed below 0.00001.

Submission:

Labcorp Genetics (formerly Invitae), Labcorp
Classification: Uncertain significance. Last evaluated: 2025-03-10. Review status: criteria provided, single submitter. Criteria: Invitae Variant Classification Sherloc (09022015). Collection method: clinical testing. Allele origin: germline.
Comment: This sequence change replaces serine, which is neutral and polar, with asparagine, which is neutral and polar, at codon 493 of the CSF1R protein (p.Ser493Asn). This variant is not present in population databases (gnomAD no frequency). This variant has not been reported in the literature in individuals affected with CSF1R-related conditions. ClinVar contains an entry for this variant (Variation ID: 2751984). Invitae Evidence Modeling of protein sequence and biophysical properties (such as structural, functional, and spatial information, amino acid conservation, physicochemical variation, residue mobility, and thermodynamic stability) indicates that this missense variant is not expected to disrupt CSF1R protein function with a negative predictive value of 95%. In summary, the available evidence is currently insufficient to determine the role of this variant in disease. Therefore, it has been classified as a Variant of Uncertain Significance.

NM_001288705.3(CSF1R):c.1478G>A (p.Ser493Asn)

Gene: CSF1R (colony stimulating factor 1 receptor; minus strand). Cytogenetic location: 5q32.
Variant type: single nucleotide variant.
Coding change: c.1478G>A on transcript NM_001288705.3 (MANE Select); coding-DNA position 1478, G replaced by A.
Protein change: p.Ser493Asn; replaces serine 493 with asparagine.
Molecular consequence: missense variant. On other transcripts: non-coding transcript variant (2).
Genome position (GRCh38, 1-based): chr5:150,069,905, C>T on the plus strand (G>A on the coding strand, the complement: CSF1R is on the minus strand). VCF-style: chr5-150069905-C-T. GRCh37 (hg19) VCF-style: chr5-149449468-C-T.
Other names: c.1478G>A, p.Ser493Asn (NM_001349736.2, NM_001375320.1, NM_005211.4); c.1034G>A, p.Ser345Asn (NM_001375321.1); short protein forms S345N, S493N.
Identifiers: ClinVar variation 2751984 (VCV002751984.3), dbSNP rs1757957830, ClinGen allele CA361719726.
Genomic context (GRCh38, chr5:150,069,905, plus strand): 5'-CGGTGCGGGTGCGAAGGCTCCCTCTCACCTGCAGAGATGGGTATGAAGGCCCAGGAGCCA[C>T]TCCCCACGCTGTTGTGGGCCCTGCACTCGTAGGTTTGGTTGTGCTCTAAGGTCTCAACAG-3'
Protein context (NP_001275634.1, residues 483-503): YECRAHNSVG[Ser493Asn]GSWAFIPISA